The following is an entry in ClinVar:

NM_198965.2(PTHLH):c.276dup (p.Val93fs)

Gene: PTHLH (parathyroid hormone like hormone; minus strand). Cytogenetic location: 12p11.22.
Variant type: Duplication.
Coding change: c.276dup on transcript NM_198965.2 (MANE Select); coding-DNA position 276, one base duplicated (C; older notation c.276dupC).
Protein change: p.Val93fs; shifts the reading frame from valine 93.
Molecular consequence: frameshift variant.
Genome position (GRCh38, 1-based): chr12:27,963,596, G duplicated on the plus strand (C on the coding strand, the reverse complement: PTHLH is on the minus strand); the first of 4 consecutive G bases (chr12:27,963,596-27,963,599); duplicating any one gives the same sequence. VCF-style (leftmost placement, unchanged base first): chr12-27963595-C-CG. GRCh37 (hg19) VCF-style: chr12-28116528-C-CG.
Other names: c.276dup, p.Val93fs (NM_002820.3, NM_198964.2, NM_198966.2); short protein forms V93fs.
Identifiers: ClinVar variation 3256666 (VCV003256666.1).
Genomic context (GRCh38, chr12:27,963,595, plus strand): 5'-TCTCCACCTTGTTAGTTTCCTGAGTTAGGTATCTGCCCTCATCATCAGACCCAAATCGGA[C>CG]GGGGTGGTTCTTTGTGTTGGGAGAGGGCTTGGAGTTAGGGGACACCTCCGAGGTAGCTCT-3'

ClinVar aggregate classification (germline): Likely pathogenic (1 of 4 stars; one submission).

Conditions:
Brachydactyly type E2 (BDE2). Identifiers: Orphanet 93387, MedGen C3150644, MONDO:0013244, OMIM 613382.

Submission:

MVZ Medizinische Genetik Mainz
Classification: Likely pathogenic for Brachydactyly type E2. Last evaluated: 2024-03-20. Review status: criteria provided, single submitter. Criteria: UK Practice Guidelines For Variant Classification V4 01 2020. Collection method: clinical testing. Allele origin: germline. Inheritance: Autosomal dominant inheritance. Affected: yes. Observed: 1 variant allele.
Comment: ACMG Criteria: PVS1,PM2_SUP